The following is an entry in ClinVar:

NM_138576.4(BCL11B):c.1068C>G (p.Ile356Met)

Gene: BCL11B (BCL11 transcription factor B; minus strand). Cytogenetic location: 14q32.2.
Variant type: single nucleotide variant.
Coding change: c.1068C>G on transcript NM_138576.4 (MANE Select); coding-DNA position 1068, C replaced by G.
Protein change: p.Ile356Met; replaces isoleucine 356 with methionine.
Molecular consequence: missense variant.
Genome position (GRCh38, 1-based): chr14:99,175,768, G>C on the plus strand (C>G on the coding strand, the complement: BCL11B is on the minus strand). VCF-style: chr14-99175768-G-C. GRCh37 (hg19) VCF-style: chr14-99642105-G-C.
Other names: c.1065C>G, p.Ile355Met (NM_001282237.2); c.852C>G, p.Ile284Met (NM_001282238.2); c.855C>G, p.Ile285Met (NM_022898.3); short protein forms I284M, I355M, I285M, I356M.
Identifiers: ClinVar variation 1350199 (VCV001350199.8), dbSNP rs777050623, ClinGen allele CA7339743.

ClinVar aggregate classification (germline): Uncertain significance (1 of 4 stars; one submission).

Submission:

Labcorp Genetics (formerly Invitae), Labcorp
Classification: Uncertain significance. Last evaluated: 2022-02-25. Review status: criteria provided, single submitter. Criteria: Invitae Variant Classification Sherloc (09022015). Collection method: clinical testing. Allele origin: germline.
Comment: This sequence change replaces isoleucine, which is neutral and non-polar, with methionine, which is neutral and non-polar, at codon 356 of the BCL11B protein (p.Ile356Met). This variant is not present in population databases (gnomAD no frequency). This variant has not been reported in the literature in individuals affected with BCL11B-related conditions. Algorithms developed to predict the effect of missense changes on protein structure and function are either unavailable or do not agree on the potential impact of this missense change (SIFT: "Deleterious"; PolyPhen-2: "Benign"; Align-GVGD: "Class C0"). In summary, the available evidence is currently insufficient to determine the role of this variant in disease. Therefore, it has been classified as a Variant of Uncertain Significance.